The following is an entry in ClinVar:

ClinVar aggregate classification (germline): Uncertain significance (1 of 4 stars; one submission).

Submission:

GeneDx
Classification: Uncertain significance. Last evaluated: 2022-09-15. Review status: criteria provided, single submitter. Criteria: GeneDx Variant Classification Process June 2021. Collection method: clinical testing. Allele origin: germline. Affected: yes.
Comment: Not observed at significant frequency in large population cohorts (gnomAD); In silico analysis supports that this missense variant does not alter protein structure/function; Has not been previously published as pathogenic or benign to our knowledge

NM_001330288.2(SMARCC2):c.3364C>T (p.Pro1122Ser)

Gene: SMARCC2 (SWI/SNF related BAF chromatin remodeling complex subunit C2; minus strand). Cytogenetic location: 12q13.2.
Variant type: single nucleotide variant.
Coding change: c.3364C>T on transcript NM_001330288.2 (MANE Select); coding-DNA position 3364, C replaced by T.
Protein change: p.Pro1122Ser; replaces proline 1122 with serine.
Molecular consequence: missense variant. On other transcripts: intron variant (2).
Genome position (GRCh38, 1-based): chr12:56,164,600, G>A on the plus strand (C>T on the coding strand, the complement: SMARCC2 is on the minus strand). VCF-style: chr12-56164600-G-A. GRCh37 (hg19) VCF-style: chr12-56558384-G-A.
Other names: c.3271C>T, p.Pro1091Ser (NM_003075.5); c.3316+48C>T (NM_139067.4, NM_001130420.3); short protein forms P1091S, P1122S.
Identifiers: ClinVar variation 2444575 (VCV002444575.1), dbSNP rs1872432523, ClinGen allele CA385339026.